The following is an entry in ClinVar:

ClinVar aggregate classification (germline): Uncertain significance (1 of 4 stars; one submission).

Conditions:
H syndrome. Also called: HISTIOCYTOSIS AND LYMPHADENOPATHY WITH OR WITHOUT CUTANEOUS, CARDIAC, AND/OR ENDOCRINE FEATURES, JOINT CONTRACTURES, AND/OR DEAFNESS; HYPERPIGMENTATION, CUTANEOUS, WITH HYPERTRICHOSIS, HEPATOSPLENOMEGALY, HEART ANOMALIES, AND HYPOGONADISM WITH OR WITHOUT HEARING LOSS; PIGMENTED HYPERTRICHOSIS WITH INSULIN-DEPENDENT DIABETES MELLITUS; ROSAI-DORFMAN DISEASE, FAMILIAL; SINUS HISTIOCYTOSIS AND MASSIVE LYMPHADENOPATHY; Hyperpigmentation, Cutaneous, with Hypertrichosis, Hepatosplenomegaly, Heart Anomalies, Hearing Loss, and Hypogonadism. Identifiers: Orphanet 168569, MedGen C1864445, MONDO:0011273, OMIM 602782.

Allele frequency attached by ClinVar (database versions not stated): gnomAD exomes 0.00001.
gnomAD v4.1: 3 of 1,614,196 alleles (0.00019%); highest among the groups gnomAD compares: Non-Finnish European, 0.00025%; no homozygotes.

Submission:

Labcorp Genetics (formerly Invitae), Labcorp
Classification: Uncertain significance for H syndrome. Last evaluated: 2024-10-24. Review status: criteria provided, single submitter. Criteria: Invitae Variant Classification Sherloc (09022015). Collection method: clinical testing. Allele origin: germline.
Comment: This sequence change replaces leucine, which is neutral and non-polar, with tryptophan, which is neutral and slightly polar, at codon 220 of the SLC29A3 protein (p.Leu220Trp). This variant is not present in population databases (gnomAD no frequency). This variant has not been reported in the literature in individuals affected with SLC29A3-related conditions. Invitae Evidence Modeling of protein sequence and biophysical properties (such as structural, functional, and spatial information, amino acid conservation, physicochemical variation, residue mobility, and thermodynamic stability) has been performed for this missense variant. However, the output from this modeling did not meet the statistical confidence thresholds required to predict the impact of this variant on SLC29A3 protein function. In summary, the available evidence is currently insufficient to determine the role of this variant in disease. Therefore, it has been classified as a Variant of Uncertain Significance.

NM_018344.6(SLC29A3):c.659T>G (p.Leu220Trp)

Gene: SLC29A3 (solute carrier family 29 member 3; plus strand). Cytogenetic location: 10q22.1.
Variant type: single nucleotide variant.
Coding change: c.659T>G on transcript NM_018344.6 (MANE Select); coding-DNA position 659, T replaced by G.
Protein change: p.Leu220Trp; replaces leucine 220 with tryptophan.
Molecular consequence: missense variant. On other transcripts: non-coding transcript variant (2).
Genome position (GRCh38, 1-based): chr10:71,356,129, T>G. VCF-style: chr10-71356129-T-G. GRCh37 (hg19) VCF-style: chr10-73115886-T-G.
Other names: c.659T>G, p.Leu220Trp (NM_001174098.2); c.425T>G, p.Leu142Trp (NM_001363518.2); short protein forms L142W, L220W.
Identifiers: ClinVar variation 2803095 (VCV002803095.3), dbSNP rs2492484939, ClinGen allele CA377111267.